The following is an entry in ClinVar:

NM_001292063.2(OTOG):c.7480+11A>T

Gene: OTOG (otogelin; plus strand). Cytogenetic location: 11p15.1.
Variant type: single nucleotide variant.
Coding change: c.7480+11A>T on transcript NM_001292063.2 (MANE Select); 11 bases into the intron after coding-DNA position 7480, A replaced by T.
Molecular consequence: intron variant.
Genome position (GRCh38, 1-based): chr11:17,634,292, A>T. VCF-style: chr11-17634292-A-T. GRCh37 (hg19) VCF-style: chr11-17655839-A-T.
Other names: c.7516+11A>T (NM_001277269.2).
Identifiers: ClinVar variation 226909 (VCV000226909.15), dbSNP rs12277962, ClinGen allele CA5906132.

ClinVar aggregate classification (germline): Benign. Review status: criteria provided, multiple submitters, no conflicts (2 of 4 stars). 4 submissions from 4 submitters: Benign (4). Last evaluated 2026-02-02.

Allele frequency attached by ClinVar (database versions not stated): gnomAD exomes 0.12675 and 0.16579; TOPMed 0.14576; gnomAD 0.14789 and 0.15041; 1000 Genomes Project 0.10523; 1000 Genomes Project 30x 0.10634; ExAC 0.12495.
gnomAD v4.1: 252,815 of 1,547,726 alleles (16%); highest among the groups gnomAD compares: Non-Finnish European, 18%; 22,022 homozygotes.

Submissions (4):

Labcorp Genetics (formerly Invitae), Labcorp
Classification: Benign. Last evaluated: 2026-02-02. Review status: criteria provided, single submitter. Criteria: Invitae Variant Classification Sherloc (09022015). Collection method: clinical testing. Allele origin: germline.

GeneDx
Classification: Benign. Last evaluated: 2018-02-05. Review status: criteria provided, single submitter. Criteria: GeneDx Variant Classification (06012015). Collection method: clinical testing. Allele origin: germline. Affected: yes.
Comment: This variant is considered likely benign or benign based on one or more of the following criteria: it is a conservative change, it occurs at a poorly conserved position in the protein, it is predicted to be benign by multiple in silico algorithms, and/or has population frequency not consistent with disease.

Laboratory for Molecular Medicine, Mass General Brigham Personalized Medicine
Classification: Benign. Last evaluated: 2014-11-24. Review status: criteria provided, single submitter. Criteria: LMM Criteria. Collection method: clinical testing. Allele origin: germline. Observed: 209 variant alleles.
Comment: 7516+11A>T in intron 43 of OTOG: This variant is not expected to have clinical s ignificance because it is not located within the conserved splice consensus sequ ence. It has been identified in 25.3% (43/170) of European American chromosomes from a broad population by the 1000 Genomes Project (/projects/SNP; dbSNP rs12277962).

Breakthrough Genomics
Classification: Benign. Review status: criteria provided, single submitter. Criteria: ACMG Guidelines, 2015. Collection method: not provided. Allele origin: germline. Inheritance: Autosomal recessive inheritance. Affected: yes.